The following is an entry in ClinVar:

NM_020778.5(ALPK3):c.1072C>T (p.Gln358Ter)

Gene: ALPK3 (alpha kinase 3; plus strand). Cytogenetic location: 15q25.3.
Variant type: single nucleotide variant.
Coding change: c.1072C>T on transcript NM_020778.5 (MANE Select); coding-DNA position 1072, C replaced by T.
Protein change: p.Gln358Ter; replaces glutamine 358 with a stop codon.
Molecular consequence: nonsense.
Genome position (GRCh38, 1-based): chr15:84,840,351, C>T. VCF-style: chr15-84840351-C-T. GRCh37 (hg19) VCF-style: chr15-85383582-C-T.
Other names: c.1678C>T (NM_020778.4); short protein forms Q358*.
Identifiers: ClinVar variation 1941166 (VCV001941166.7), dbSNP rs768342367, ClinGen allele CA7709117.
Genomic context (GRCh38, chr15:84,840,351, plus strand): 5'-AGCCGCCGTTCTTCAGAAAACTGCATCCCCAGCTCAGACGAGCCTGACTCCTGTGGGACT[C>T]AGGGGCCCGTGGGCGTGGAGCAGGTTCAGACCCAGCCCAGAGGCAGGGCTGCACGGGGGC-3'

ClinVar aggregate classification (germline): Pathogenic. Review status: criteria provided, multiple submitters, no conflicts (2 of 4 stars). 2 submissions from 2 submitters: Pathogenic (2). Last evaluated 2024-12-05.

Conditions:
Cardiovascular phenotype. Identifiers: MedGen CN230736.

Allele frequency attached by ClinVar (database versions not stated): ExAC 0.00001; gnomAD exomes 0.00001.
gnomAD v4.1: 4 of 1,613,614 alleles (0.00025%); highest among the groups gnomAD compares: Admixed American, 0.0067%; no homozygotes.

Submissions (2):

Labcorp Genetics (formerly Invitae), Labcorp
Classification: Pathogenic. Last evaluated: 2024-12-05. Review status: criteria provided, single submitter. Criteria: Invitae Variant Classification Sherloc (09022015). Collection method: clinical testing. Allele origin: germline.
Comment: This sequence change creates a premature translational stop signal (p.Gln560*) in the ALPK3 gene. It is expected to result in an absent or disrupted protein product. Loss-of-function variants in ALPK3 are known to be pathogenic (PMID: 21441111, 26846950, 27106955, 34263907). This variant is present in population databases (rs768342367, gnomAD 0.009%). This variant has not been reported in the literature in individuals affected with ALPK3-related conditions. ClinVar contains an entry for this variant (Variation ID: 1941166). For these reasons, this variant has been classified as Pathogenic.

Ambry Genetics
Classification: Pathogenic for Cardiovascular phenotype. Last evaluated: 2022-12-23. Review status: criteria provided, single submitter. Criteria: Ambry Variant Classification Scheme 2023. Collection method: clinical testing. Allele origin: germline.
Comment: The p.Q560* pathogenic mutation (also known as c.1678C>T), located in coding exon 5 of the ALPK3 gene, results from a C to T substitution at nucleotide position 1678. This changes the amino acid from a glutamine to a stop codon within coding exon 5. This alteration is expected to result in loss of function by premature protein truncation or nonsense-mediated mRNA decay. As such, this alteration is interpreted as a disease-causing mutation.

Literature cited by the submitters: PubMed 21441111 (cited by Labcorp Genetics (formerly Invitae), Labcorp); PubMed 26846950 (cited by Labcorp Genetics (formerly Invitae), Labcorp); PubMed 27106955 (cited by Labcorp Genetics (formerly Invitae), Labcorp); PubMed 34263907 (cited by Labcorp Genetics (formerly Invitae), Labcorp).